The following is an entry in ClinVar:

ClinVar aggregate classification (germline): Conflicting classifications of pathogenicity. Review status: criteria provided, conflicting classifications (1 of 4 stars). 2 submissions from 2 submitters: Uncertain significance (1); Likely benign (1). Last evaluated 2025-02-18.

Allele frequency attached by ClinVar (database versions not stated): TOPMed 0.00001; gnomAD 0.00002.

Submissions (2):

Labcorp Genetics (formerly Invitae), Labcorp
Classification: Uncertain significance. Last evaluated: 2025-02-18. Review status: criteria provided, single submitter. Criteria: Invitae Variant Classification Sherloc (09022015). Collection method: clinical testing. Allele origin: germline.
Comment: This sequence change replaces arginine, which is basic and polar, with histidine, which is basic and polar, at codon 145 of the MYLK3 protein (p.Arg145His). This variant is present in population databases (rs748998633, gnomAD 0.03%). This variant has not been reported in the literature in individuals affected with MYLK3-related conditions. ClinVar contains an entry for this variant (Variation ID: 1949059). An algorithm developed to predict the effect of missense changes on protein structure and function outputs the following: PolyPhen-2: "Benign". The histidine amino acid residue is found in multiple mammalian species, which suggests that this missense change does not adversely affect protein function. In summary, the available evidence is currently insufficient to determine the role of this variant in disease. Therefore, it has been classified as a Variant of Uncertain Significance.

Ambry Genetics
Classification: Likely benign. Last evaluated: 2024-03-18. Review status: criteria provided, single submitter. Criteria: Ambry Variant Classification Scheme 2023. Collection method: clinical testing. Allele origin: germline.

NM_182493.3(MYLK3):c.434G>A (p.Arg145His)

Gene: MYLK3 (myosin light chain kinase 3; minus strand). Cytogenetic location: 16q11.2.
Variant type: single nucleotide variant.
Coding change: c.434G>A on transcript NM_182493.3 (MANE Select); coding-DNA position 434, G replaced by A.
Protein change: p.Arg145His; replaces arginine 145 with histidine.
Molecular consequence: missense variant. On other transcripts: intron variant (1).
Genome position (GRCh38, 1-based): chr16:46,747,760, C>T on the plus strand (G>A on the coding strand, the complement: MYLK3 is on the minus strand). VCF-style: chr16-46747760-C-T. GRCh37 (hg19) VCF-style: chr16-46781672-C-T.
Other names: c.-113-7613G>A (NM_001308301.1); c.434G>A (NM_182493.2); short protein forms R145H.
Identifiers: ClinVar variation 1949059 (VCV001949059.6), dbSNP rs748998633, ClinGen allele CA8038255.
Genomic context (GRCh38, chr16:46,747,760, plus strand): 5'-GGGAAGCAGGAACCAACCTCCTCAGGGCTGTCACCTGGGCTGCCTCTCCTCCAGGGCACA[C>T]GCCCCTGCATGAGGAAATCCGCCACCTTTGATTTCTGGAACGTGGCCCCCACCAAAGCGA-3'
Protein context (NP_872299.2, residues 135-155): SKVADFLMQG[Arg145His]VPWRRGSPGD